The following is an entry in ClinVar:

NM_002473.6(MYH9):c.678C>T (p.Thr226=)

Gene: MYH9 (myosin heavy chain 9; minus strand). Cytogenetic location: 22q12.3.
Variant type: single nucleotide variant.
Coding change: c.678C>T on transcript NM_002473.6 (MANE Select); coding-DNA position 678, C replaced by T.
Protein change: p.Thr226=; no amino-acid change (threonine 226 retained).
Molecular consequence: synonymous variant.
Genome position (GRCh38, 1-based): chr22:36,322,456, G>A on the plus strand (C>T on the coding strand, the complement: MYH9 is on the minus strand). VCF-style: chr22-36322456-G-A. GRCh37 (hg19) VCF-style: chr22-36718501-G-A.
Identifiers: ClinVar variation 2716319 (VCV002716319.6), dbSNP rs372262711, ClinGen allele CA10210520.

ClinVar aggregate classification (germline): Benign/Likely benign. Review status: criteria provided, multiple submitters, no conflicts (2 of 4 stars). 3 submissions from 3 submitters: Benign (1); Likely benign (1). 1 of the submissions does not count toward it. Last evaluated 2025-07-20.

Conditions:
MYH9-related disorder. Identifiers: MedGen C1854520.

Allele frequency attached by ClinVar (database versions not stated): ExAC 0.00010; ESP Exome Variant Server 0.00023; 1000 Genomes Project 30x 0.00031; 1000 Genomes Project 0.00040.
gnomAD v4.1: 71 of 1,613,946 alleles (0.0044%); highest among the groups gnomAD compares: African/African-American, 0.06%; no homozygotes.

Submissions (3):

Labcorp Genetics (formerly Invitae), Labcorp
Classification: Benign. Last evaluated: 2025-07-20. Review status: criteria provided, single submitter. Criteria: Invitae Variant Classification Sherloc (09022015). Collection method: clinical testing. Allele origin: germline.

Blueprint Genetics
Classification: Likely benign. Last evaluated: 2022-07-13. Review status: criteria provided, single submitter. Criteria: ACMG Guidelines, 2015. Collection method: clinical testing. Allele origin: germline.

PreventionGenetics, part of Exact Sciences
Classification: Likely benign for MYH9-related condition. Last evaluated: 2024-07-08. Review status: no assertion criteria provided. Collection method: clinical testing. Allele origin: germline. Not counted in ClinVar's aggregate classification.
Comment: This variant is classified as likely benign based on ACMG/AMP sequence variant interpretation guidelines (Richards et al. 2015 PMID: 25741868, with internal and published modifications).